The following is an entry in ClinVar:

ClinVar aggregate classification (germline): Likely benign (1 of 4 stars; one submission).

Allele frequency attached by ClinVar (database versions not stated): gnomAD 0.00820 and 0.00885; 1000 Genomes Project 0.00859; TOPMed 0.00977; 1000 Genomes Project 30x 0.01046.
gnomAD v4.1: 1,229 of 151,824 alleles (0.81%); highest among the groups gnomAD compares: African/African-American, 2.9%; 18 homozygotes.

Submission:

GeneDx
Classification: Likely benign. Last evaluated: 2018-06-19. Review status: criteria provided, single submitter. Criteria: GeneDx Variant Classification (06012015). Collection method: clinical testing. Allele origin: germline. Affected: yes.
Comment: This variant is considered likely benign or benign based on one or more of the following criteria: it is a conservative change, it occurs at a poorly conserved position in the protein, it is predicted to be benign by multiple in silico algorithms, and/or has population frequency not consistent with disease.

NM_001386795.1(DTNA):c.1002-2535A>G

Gene: DTNA (dystrobrevin alpha; plus strand). Cytogenetic location: 18q12.1.
Variant type: single nucleotide variant.
Coding change: c.1002-2535A>G on transcript NM_001386795.1 (MANE Select); 2535 bases into the intron before coding-DNA position 1002, A replaced by G.
Molecular consequence: intron variant.
Genome position (GRCh38, 1-based): chr18:34,825,058, A>G. VCF-style: chr18-34825058-A-G. GRCh37 (hg19) VCF-style: chr18-32405022-A-G.
Other names: c.1002-209A>G (NM_032975.4, NM_001386761.1, NM_001386762.1 and 5 more transcripts); c.1002-2535A>G (NM_001386754.1, NM_001386755.1, NM_001386760.1 and 26 more transcripts); c.603+12945A>G (NM_001198945.2); c.252-2535A>G (NM_001198943.1); c.48-2535A>G (NM_001198942.1, NM_001198944.1, NM_032980.4 and 1 more transcripts).
Identifiers: ClinVar variation 675977 (VCV000675977.1), dbSNP rs115311309, ClinGen allele CA297765911.